The following is an entry in ClinVar:

NM_005562.3(LAMC2):c.2615del (p.Lys872fs)

Gene: LAMC2 (laminin subunit gamma 2; plus strand). Cytogenetic location: 1q25.3.
Variant type: Deletion.
Coding change: c.2615del on transcript NM_005562.3 (MANE Select); coding-DNA position 2615, one base deleted (A; older notation c.2615delA).
Protein change: p.Lys872fs; shifts the reading frame from lysine 872.
Molecular consequence: frameshift variant.
Genome position (GRCh38, 1-based): chr1:183,237,365, A deleted; the last of 3 consecutive A bases (chr1:183,237,363-183,237,365); deleting any one gives the same sequence. VCF-style (leftmost placement, unchanged base first): chr1-183237362-CA-C. GRCh37 (hg19) VCF-style: chr1-183206497-CA-C.
Other names: c.2615del, p.Lys872fs (NM_018891.3); short protein forms K872fs.
Identifiers: ClinVar variation 2091927 (VCV002091927.4), dbSNP rs2526117083, ClinGen allele CA2580061612.
Genomic context (GRCh38, chr1:183,237,362, plus strand): 5'-TGGTAACTGGTAAGCAGAAGTCAGACTCCCTGGTTTCTTTGGGCTCATAGGTGGAAGAAG[CA>C]AAGAGGATCAAACAAAAAGCGGATTCACTCTCAAGCCTGGTAACCAGGCATATGGATGAG-3'

ClinVar aggregate classification (germline): Pathogenic (1 of 4 stars; one submission).

Submission:

Labcorp Genetics (formerly Invitae), Labcorp
Classification: Pathogenic. Last evaluated: 2022-02-02. Review status: criteria provided, single submitter. Criteria: Invitae Variant Classification Sherloc (09022015). Collection method: clinical testing. Allele origin: germline.
Comment: This variant has not been reported in the literature in individuals affected with LAMC2-related conditions. For these reasons, this variant has been classified as Pathogenic. This variant is not present in population databases (gnomAD no frequency). This sequence change creates a premature translational stop signal (p.Lys872Argfs*14) in the LAMC2 gene. It is expected to result in an absent or disrupted protein product. Loss-of-function variants in LAMC2 are known to be pathogenic (PMID: 11907499, 16473856).

Literature cited by the submitters: PubMed 11907499; PubMed 16473856.